The following is an entry in ClinVar:

ClinVar aggregate classification (germline): Uncertain significance (1 of 4 stars; one submission).

Conditions:
Hereditary cancer-predisposing syndrome. Also called: Neoplastic Syndromes, Hereditary; Tumor predisposition; Hereditary Cancer Syndrome; Hereditary neoplastic syndrome. Identifiers: Orphanet 140162, MedGen C0027672, MeSH D009386, MONDO:0015356.

gnomAD v4.1: 1 of 1,613,972 alleles (0.000062%); highest among the groups gnomAD compares: Non-Finnish European, 0.000085%; no homozygotes.

Submission:

Ambry Genetics
Classification: Uncertain significance for Hereditary cancer-predisposing syndrome. Last evaluated: 2026-05-22. Review status: criteria provided, single submitter. Criteria: Ambry Variant Classification Scheme 2023. Collection method: clinical testing. Allele origin: germline.
Comment: The p.N751S variant (also known as c.2252A>G), located in coding exon 14 of the SMARCA4 gene, results from an A to G substitution at nucleotide position 2252. The asparagine at codon 751 is replaced by serine, an amino acid with highly similar properties. In silico splice site analysis predicts that this alteration will result in the creation or strengthening of a novel splice donor site. RNA studies have demonstrated that this variant results in a transcript predicted to lead to a protein with an in-frame deletion of nine amino acids; however, the exact functional impact of the deleted amino acids is unknown at this time (Ambry internal data). This amino acid position is highly conserved in available vertebrate species. In addition, the in silico prediction for this alteration is inconclusive. Based on the available evidence, the clinical significance of this variant remains unclear.

NM_003072.5(SMARCA4):c.2252A>G (p.Asn751Ser)

Gene: SMARCA4 (SWI/SNF related BAF chromatin remodeling complex subunit ATPase 4; plus strand). Cytogenetic location: 19p13.2.
Variant type: single nucleotide variant.
Coding change: c.2252A>G on transcript NM_003072.5 (MANE Select); coding-DNA position 2252, A replaced by G.
Protein change: p.Asn751Ser; replaces asparagine 751 with serine.
Molecular consequence: missense variant. On other transcripts: non-coding transcript variant (1).
Genome position (GRCh38, 1-based): chr19:11,010,509, A>G. VCF-style: chr19-11010509-A-G. GRCh37 (hg19) VCF-style: chr19-11121185-A-G.
Other names: c.2252A>G, p.Asn751Ser (NM_001128844.3, NM_001128845.2, NM_001128846.2 and 6 more transcripts); short protein forms N751S.
Identifiers: ClinVar variation 4864783 (VCV004864783.1).